The following is an entry in ClinVar:

NM_016734.3(PAX5):c.1110C>T (p.Tyr370=)

Gene: PAX5 (paired box 5; minus strand). Cytogenetic location: 9p13.2.
Variant type: single nucleotide variant.
Coding change: c.1110C>T on transcript NM_016734.3 (MANE Select); coding-DNA position 1110, C replaced by T.
Protein change: p.Tyr370=; no amino-acid change (tyrosine 370 retained).
Molecular consequence: synonymous variant. On other transcripts: missense variant (2), non-coding transcript variant (2).
Genome position (GRCh38, 1-based): chr9:36,840,626, G>A on the plus strand (C>T on the coding strand, the complement: PAX5 is on the minus strand). VCF-style: chr9-36840626-G-A. GRCh37 (hg19) VCF-style: chr9-36840623-G-A.
Other names: p.Tyr370=; c.1008C>T, p.Tyr336= (NM_001280547.2); c.1023C>T, p.Tyr341= (NM_001280548.2); c.878C>T, p.Thr293Ile (NM_001280549.2); c.791C>T, p.Thr264Ile (NM_001280550.2); c.597C>T, p.Tyr199= (NM_001280551.2); c.921C>T, p.Tyr307= (NM_001280552.2); c.894C>T, p.Tyr298= (NM_001280553.2); and 3 more; short protein forms T293I, T264I.
Identifiers: ClinVar variation 134998 (VCV000134998.11), dbSNP rs3780135, ClinGen allele CA161360.
Genomic context (GRCh38, chr9:36,840,626, plus strand): 5'-ACGGTCATAGGCAGTGGCGGCTGCAGGTGGGGCGGCTCCTCGGGCGGCAGCGCTATAATA[G>A]TAGGGGGAGCCTGGAAGAGACGGGAGAGAGCACCGAGGTCAGATCCGGGGTCCCCTTTCC-3'
Protein context (NP_057953.1, residues 360-380): FPNPGLLGSP[Tyr370=]YYSAAARGAA

ClinVar aggregate classification (germline): Benign/Likely benign. Review status: criteria provided, multiple submitters, no conflicts (2 of 4 stars). 6 submissions from 6 submitters: Benign (4); Likely benign (1). 1 of the submissions does not count toward it. Last evaluated 2026-02-04.

Allele frequency attached by ClinVar (database versions not stated): gnomAD exomes 0.87841 and 0.92563; 1000 Genomes Project 30x 0.72767; 1000 Genomes Project 0.74201; TOPMed 0.75331; ESP Exome Variant Server 0.76312; gnomAD 0.76812 and 0.77679; ExAC 0.86867.
gnomAD v4.1: 1,429,662 of 1,570,902 alleles (91%); highest among the groups gnomAD compares: Non-Finnish European, 95%; 662,872 homozygotes.

Submissions (6):

Labcorp Genetics (formerly Invitae), Labcorp
Classification: Benign. Last evaluated: 2026-02-04. Review status: criteria provided, single submitter. Criteria: Invitae Variant Classification Sherloc (09022015). Collection method: clinical testing. Allele origin: germline.

Blueprint Genetics
Classification: Likely benign. Last evaluated: 2024-11-27. Review status: criteria provided, single submitter. Criteria: ACMG Guidelines, 2015. Collection method: clinical testing. Allele origin: germline.

Mayo Clinic Laboratories, Mayo Clinic
Classification: Benign. Last evaluated: 2022-09-06. Review status: criteria provided, single submitter. Criteria: ACMG Guidelines, 2015. Collection method: clinical testing. Allele origin: germline. Observed: 54 variant alleles.

GeneDx
Classification: Benign. Last evaluated: 2019-01-10. Review status: criteria provided, single submitter. Criteria: GeneDx Variant Classification Process June 2021. Collection method: clinical testing. Allele origin: germline. Affected: yes.

Breakthrough Genomics
Classification: Benign. Review status: criteria provided, single submitter. Criteria: ACMG Guidelines, 2015. Collection method: not provided. Allele origin: germline. Inheritance: Unknown mechanism. Affected: yes.

ITMI
No classification provided. Condition: AllHighlyPenetrant. Last evaluated: 2013-09-19. Review status: no classification provided. Collection method: reference population. Allele origin: germline. Not counted in ClinVar's aggregate classification.
Comment: Please see associated publication for description of ethnicities

Literature cited by the submitters: PubMed 24728327 (cited by ITMI).